The following is an entry in ClinVar:

NM_004204.5(PIGQ):c.332A>C (p.His111Pro)

Gene: PIGQ (phosphatidylinositol glycan anchor biosynthesis class Q; plus strand). Cytogenetic location: 16p13.3.
Variant type: single nucleotide variant.
Coding change: c.332A>C on transcript NM_004204.5 (MANE Select); coding-DNA position 332, A replaced by C.
Protein change: p.His111Pro; replaces histidine 111 with proline.
Molecular consequence: missense variant.
Genome position (GRCh38, 1-based): chr16:574,406, A>C. VCF-style: chr16-574406-A-C. GRCh37 (hg19) VCF-style: chr16-624406-A-C.
Other names: c.332A>C, p.His111Pro (NM_148920.4); short protein forms H111P.
Identifiers: ClinVar variation 1059704 (VCV001059704.9), dbSNP rs2151044384, ClinGen allele CA394047658.

ClinVar aggregate classification (germline): Uncertain significance (1 of 4 stars; one submission).

Conditions:
Epilepsy. Also called: Seizure disorder. Identifiers: MedGen C0014544, MeSH D004827, MONDO:0005027.

Submission:

Labcorp Genetics (formerly Invitae), Labcorp
Classification: Uncertain significance for Epilepsy. Last evaluated: 2020-03-06. Review status: criteria provided, single submitter. Criteria: Invitae Variant Classification Sherloc (09022015). Collection method: clinical testing. Allele origin: germline.
Comment: Algorithms developed to predict the effect of missense changes on protein structure and function (SIFT, PolyPhen-2, Align-GVGD) all suggest that this variant is likely to be tolerated, but these predictions have not been confirmed by published functional studies and their clinical significance is uncertain. In summary, the available evidence is currently insufficient to determine the role of this variant in disease. Therefore, it has been classified as a Variant of Uncertain Significance. This variant has not been reported in the literature in individuals with PIGQ-related conditions. This variant is not present in population databases (ExAC no frequency). This sequence change replaces histidine with proline at codon 111 of the PIGQ protein (p.His111Pro). The histidine residue is weakly conserved and there is a moderate physicochemical difference between histidine and proline.